The following is an entry in ClinVar:

NM_005732.4(RAD50):c.541_542delinsA (p.Ser181fs)

Gene: RAD50 (RAD50 double strand break repair protein; plus strand). Cytogenetic location: 5q31.1.
Variant type: Indel.
Coding change: c.541_542delinsA on transcript NM_005732.4 (MANE Select); coding-DNA positions 541 to 542, TC replaced by A.
Protein change: p.Ser181fs; shifts the reading frame from serine 181.
Molecular consequence: frameshift variant.
Genome position (GRCh38, 1-based): chr5:132,579,492-132,579,493, TC replaced by A. VCF-style: chr5-132579492-TC-A. GRCh37 (hg19) VCF-style: chr5-131915184-TC-A.
Other names: short protein forms S181fs.
Identifiers: ClinVar variation 231601 (VCV000231601.12), dbSNP rs876659255, ClinGen allele CA10578492.

ClinVar aggregate classification (germline): Pathogenic/Likely pathogenic. Review status: criteria provided, multiple submitters, no conflicts (2 of 4 stars). 3 submissions from 3 submitters: Pathogenic (2); Likely pathogenic (1). Last evaluated 2024-08-07.

Conditions:
Nijmegen breakage syndrome-like disorder (NBSLD). Also called: MICROCEPHALY AND SPONTANEOUS CHROMOSOME INSTABILITY WITHOUT IMMUNODEFICIENCY; NBS-LIKE DISORDER; RAD50 DEFICIENCY. Identifiers: Orphanet 240760, MedGen C2751318, MONDO:0013118, OMIM 613078.
Hereditary cancer-predisposing syndrome. Also called: Neoplastic Syndromes, Hereditary; Tumor predisposition; Hereditary Cancer Syndrome; Hereditary neoplastic syndrome. Identifiers: Orphanet 140162, MedGen C0027672, MeSH D009386, MONDO:0015356.

Submissions (3):

Labcorp Genetics (formerly Invitae), Labcorp
Classification: Pathogenic for Hereditary cancer-predisposing syndrome. Last evaluated: 2024-08-07. Review status: criteria provided, single submitter. Criteria: Invitae Variant Classification Sherloc (09022015). Collection method: clinical testing. Allele origin: germline.
Comment: This sequence change creates a premature translational stop signal (p.Ser181Lysfs*9) in the RAD50 gene. It is expected to result in an absent or disrupted protein product. Loss-of-function variants in RAD50 are known to be pathogenic (PMID: 19409520). Information on the frequency of this variant in the gnomAD database is not available, as this variant may be reported differently in the database. This variant has not been reported in the literature in individuals affected with RAD50-related conditions. For these reasons, this variant has been classified as Pathogenic.

Baylor Genetics
Classification: Likely pathogenic for Nijmegen breakage syndrome-like disorder. Last evaluated: 2022-07-05. Review status: criteria provided, single submitter. Criteria: ACMG Guidelines, 2015. Collection method: clinical testing. Allele origin: unknown.

Ambry Genetics
Classification: Pathogenic for Hereditary cancer-predisposing syndrome. Last evaluated: 2019-01-21. Review status: criteria provided, single submitter. Criteria: Ambry Variant Classification Scheme 2023. Collection method: clinical testing. Allele origin: germline.
Comment: The c.541_542delTCinsA pathogenic mutation, located in coding exon 4 of the RAD50 gene, results from the deletion of two nucleotides and insertion of one nucleotide causing a translational frameshift with a predicted alternate stop codon (p.S181Kfs*9). This alteration is expected to result in loss of function by premature protein truncation or nonsense-mediated mRNA decay. As such, this alteration is interpreted as a disease-causing mutation.

Literature cited by the submitters: PubMed 19409520 (cited by Labcorp Genetics (formerly Invitae), Labcorp).